The following is an entry in ClinVar:

ClinVar aggregate classification (germline): Uncertain significance (1 of 4 stars; one submission).

Allele frequency attached by ClinVar (database versions not stated): gnomAD exomes below 0.00001; TOPMed below 0.00001; ExAC 0.00001.
gnomAD v4.1: 1 of 1,613,988 alleles (0.000062%); highest among the groups gnomAD compares: Admixed American, 0.0017%; no homozygotes.

Submission:

Labcorp Genetics (formerly Invitae), Labcorp
Classification: Uncertain significance. Last evaluated: 2021-09-02. Review status: criteria provided, single submitter. Criteria: Invitae Variant Classification Sherloc (09022015). Collection method: clinical testing. Allele origin: germline.
Comment: This sequence change replaces histidine with glutamine at codon 329 of the ELP1 protein (p.His329Gln). The histidine residue is highly conserved and there is a small physicochemical difference between histidine and glutamine. This variant is present in population databases (rs764033545, ExAC 0.009%). This variant has not been reported in the literature in individuals affected with ELP1-related conditions. Algorithms developed to predict the effect of missense changes on protein structure and function are either unavailable or do not agree on the potential impact of this missense change (SIFT: "Deleterious"; PolyPhen-2: "Probably Damaging"; Align-GVGD: "Class C0"). In summary, the available evidence is currently insufficient to determine the role of this variant in disease. Therefore, it has been classified as a Variant of Uncertain Significance.

NM_003640.5(ELP1):c.987C>G (p.His329Gln)

Gene: ELP1 (elongator acetyltransferase complex subunit 1; minus strand). Cytogenetic location: 9q31.3.
Variant type: single nucleotide variant.
Coding change: c.987C>G on transcript NM_003640.5 (MANE Select); coding-DNA position 987, C replaced by G.
Protein change: p.His329Gln; replaces histidine 329 with glutamine.
Molecular consequence: missense variant. On other transcripts: 5 prime UTR variant (1).
Genome position (GRCh38, 1-based): chr9:108,912,466, G>C on the plus strand (C>G on the coding strand, the complement: ELP1 is on the minus strand). VCF-style: chr9-108912466-G-C. GRCh37 (hg19) VCF-style: chr9-111674746-G-C.
Other names: c.645C>G, p.His215Gln (NM_001318360.2); c.-61C>G (NM_001330749.2); short protein forms H215Q, H329Q.
Identifiers: ClinVar variation 1402046 (VCV001402046.5), dbSNP rs764033545, ClinGen allele CA5175154.